The following is an entry in ClinVar:

NM_001277115.2(DNAH11):c.1102A>G (p.Ile368Val)

Gene: DNAH11 (dynein axonemal heavy chain 11; plus strand). Cytogenetic location: 7p15.3.
Variant type: single nucleotide variant.
Coding change: c.1102A>G on transcript NM_001277115.2 (MANE Select); coding-DNA position 1102, A replaced by G.
Protein change: p.Ile368Val; replaces isoleucine 368 with valine.
Molecular consequence: missense variant.
Genome position (GRCh38, 1-based): chr7:21,564,305, A>G. VCF-style: chr7-21564305-A-G. GRCh37 (hg19) VCF-style: chr7-21603923-A-G.
Other names: short protein forms I368V.
Identifiers: ClinVar variation 966870 (VCV000966870.7), dbSNP rs1035113303, ClinGen allele CA155056287.

ClinVar aggregate classification (germline): Uncertain significance (1 of 4 stars; one submission).

Conditions:
Primary ciliary dyskinesia. Also called: Ciliary dyskinesia. Identifiers: Orphanet 244, MedGen C0008780, MONDO:0016575, HP:0012265.

Allele frequency attached by ClinVar (database versions not stated): TOPMed 0.00002; gnomAD exomes below 0.00001; gnomAD 0.00001.
gnomAD v4.1: 3 of 1,613,354 alleles (0.00019%); highest among the groups gnomAD compares: Non-Finnish European, 0.00025%; no homozygotes.

Submission:

Labcorp Genetics (formerly Invitae), Labcorp
Classification: Uncertain significance for Primary ciliary dyskinesia. Last evaluated: 2021-08-26. Review status: criteria provided, single submitter. Criteria: Invitae Variant Classification Sherloc (09022015). Collection method: clinical testing. Allele origin: germline.
Comment: This sequence change replaces isoleucine with valine at codon 368 of the DNAH11 protein (p.Ile368Val). The isoleucine residue is moderately conserved and there is a small physicochemical difference between isoleucine and valine. This variant is not present in population databases (ExAC no frequency). This variant has not been reported in the literature in individuals affected with DNAH11-related conditions. Algorithms developed to predict the effect of missense changes on protein structure and function (SIFT, PolyPhen-2, Align-GVGD) all suggest that this variant is likely to be tolerated. In summary, the available evidence is currently insufficient to determine the role of this variant in disease. Therefore, it has been classified as a Variant of Uncertain Significance.